The following is an entry in ClinVar:

NM_000338.3(SLC12A1):c.1443C>A (p.Asn481Lys)

Gene: SLC12A1 (solute carrier family 12 member 1; plus strand). Cytogenetic location: 15q21.1.
Variant type: single nucleotide variant.
Coding change: c.1443C>A on transcript NM_000338.3 (MANE Select); coding-DNA position 1443, C replaced by A.
Protein change: p.Asn481Lys; replaces asparagine 481 with lysine.
Molecular consequence: missense variant.
Genome position (GRCh38, 1-based): chr15:48,244,895, C>A. VCF-style: chr15-48244895-C-A. GRCh37 (hg19) VCF-style: chr15-48537092-C-A.
Other names: c.1443C>A, p.Asn481Lys (NM_001184832.2, NM_001384136.1); short protein forms N481K.
Identifiers: ClinVar variation 5038073 (VCV005038073.1).

ClinVar aggregate classification (germline): Uncertain significance (1 of 4 stars; one submission).

Conditions:
Bartter disease type 1. Also called: Bartter syndrome, type 1, antenatal; Bartter Syndrome type 1; HYPOKALEMIC ALKALOSIS WITH HYPERCALCIURIA 1, ANTENATAL; HYPERPROSTAGLANDIN E SYNDROME 1. Identifiers: Orphanet 112, Orphanet 620217, MedGen C1866495, MONDO:0100344, OMIM 601678, MONDO:0011127.

gnomAD v4.1: 5 of 1,613,692 alleles (0.00031%); highest among the groups gnomAD compares: African/African-American, 0.0013%; no homozygotes.

Submission:

MVZ Medizinische Genetik Mainz
Classification: Uncertain significance for Bartter disease type 1. Last evaluated: 2025-03-05. Review status: criteria provided, single submitter. Criteria: UK Practice Guidelines For Variant Classification V4 01 2020. Collection method: clinical testing. Allele origin: germline. Inheritance: Autosomal recessive inheritance. Affected: yes. Observed: 1 variant allele.
Comment: ACMG Criteria: PM2_SUP,PP3,PP4